The following is an entry in ClinVar:

NM_020297.4(ABCC9):c.1358G>C (p.Gly453Ala)

Gene: ABCC9 (ATP binding cassette subfamily C member 9; minus strand). Cytogenetic location: 12p12.1.
Variant type: single nucleotide variant.
Coding change: c.1358G>C on transcript NM_020297.4 (MANE Select); coding-DNA position 1358, G replaced by C.
Protein change: p.Gly453Ala; replaces glycine 453 with alanine.
Molecular consequence: missense variant.
Genome position (GRCh38, 1-based): chr12:21,908,174, C>G on the plus strand (G>C on the coding strand, the complement: ABCC9 is on the minus strand). VCF-style: chr12-21908174-C-G. GRCh37 (hg19) VCF-style: chr12-22061108-C-G.
Other names: c.1358G>C, p.Gly453Ala (NM_001377273.1, NM_005691.4); c.494G>C, p.Gly165Ala (NM_001377274.1); short protein forms G453A, G165A.
Identifiers: ClinVar variation 45387 (VCV000045387.4), dbSNP rs397517183, ClinGen allele CA136205.
Genomic context (GRCh38, chr12:21,908,174, plus strand): 5'-ATAAAGTACTGAATTGGCGCAAGGAGCACAATGACAGCTGCACCGACCAATGCACTTGAT[C>G]CAAGTAAATTATAGAGCAGAATCACGCCCATTATGATCTAGAGAGAAAAACACATGGAAA-3'
Protein context (NP_064693.2, residues 443-463): MGVILLYNLL[Gly453Ala]SSALVGAAVI

ClinVar aggregate classification (germline): Uncertain significance (1 of 4 stars; one submission).

Submission:

Laboratory for Molecular Medicine, Mass General Brigham Personalized Medicine
Classification: Uncertain significance. Last evaluated: 2011-12-16. Review status: criteria provided, single submitter. Criteria: LMM Criteria. Collection method: clinical testing. Allele origin: germline. Observed: 1 variant allele.
Comment: Glycine (Gly) at position 453 is highly conserved in evolution, increasing the likelihood that change would not be tole rated. Computational tools (AlignGVGD, PolyPhen2, SIFT) also predict that a chan ge to alanine (Ala) would impact the protein, though their accuracy is unknown. Additional information is needed to fully assess the clinical significance of th e Gly453Ala variant.